The following is an entry in ClinVar:

ClinVar aggregate classification (germline): Conflicting classifications of pathogenicity. Review status: criteria provided, conflicting classifications (1 of 4 stars). 2 submissions from 2 submitters: Uncertain significance (1); Benign (1). Last evaluated 2022-09-01.

Conditions:
Episodic ataxia type 5. Identifiers: Orphanet 211067, MedGen C1866039, MONDO:0013464, OMIM 613855.

Allele frequency attached by ClinVar (database versions not stated): 1000 Genomes Project 0.00020; TOPMed 0.00110; gnomAD 0.00117 and 0.00122.

Submissions (2):

CeGaT Center for Human Genetics Tuebingen
Classification: Benign. Last evaluated: 2022-09-01. Review status: criteria provided, single submitter. Criteria: CeGaT Center For Human Genetics Tuebingen Variant Classification Criteria Version 2. Collection method: clinical testing. Allele origin: germline. Affected: yes. Observed: 1 variant allele.
Comment: CACNB4: BS1, BS2

Illumina Laboratory Services, Illumina
Classification: Uncertain significance for Episodic ataxia type 5. Last evaluated: 2018-01-12. Review status: criteria provided, single submitter. Criteria: ICSL Variant Classification Criteria 13 December 2019. Collection method: clinical testing. Allele origin: germline.

NM_000726.5(CACNB4):c.*2188T>G

Gene: CACNB4 (calcium voltage-gated channel auxiliary subunit beta 4; minus strand). Cytogenetic location: 2q23.3.
Variant type: single nucleotide variant.
Coding change: c.*2188T>G on transcript NM_000726.5 (MANE Select); 2188 bases downstream of the stop codon, T replaced by G.
Molecular consequence: 3 prime UTR variant.
Genome position (GRCh38, 1-based): chr2:151,836,931, A>C on the plus strand (T>G on the coding strand, the complement: CACNB4 is on the minus strand). VCF-style: chr2-151836931-A-C. GRCh37 (hg19) VCF-style: chr2-152693445-A-C.
Other names: c.*2188T>G (NM_001005746.4, NM_001005747.4, NM_001145798.3 and 7 more transcripts).
Identifiers: ClinVar variation 331590 (VCV000331590.30), dbSNP rs548234328, ClinGen allele CA10611390.